The following is an entry in ClinVar:

NM_001099274.3(TINF2):c.293A>C (p.Lys98Thr)

Gene: TINF2 (TERF1 interacting nuclear factor 2; minus strand). Cytogenetic location: 14q12.
Variant type: single nucleotide variant.
Coding change: c.293A>C on transcript NM_001099274.3 (MANE Select); coding-DNA position 293, A replaced by C.
Protein change: p.Lys98Thr; replaces lysine 98 with threonine.
Molecular consequence: missense variant. On other transcripts: intron variant (1).
Genome position (GRCh38, 1-based): chr14:24,241,894, T>G on the plus strand (A>C on the coding strand, the complement: TINF2 is on the minus strand). VCF-style: chr14-24241894-T-G. GRCh37 (hg19) VCF-style: chr14-24711100-T-G.
Other names: c.293A>C, p.Lys98Thr (NM_012461.3); c.193-118A>C (NM_001363668.2); short protein forms K98T.
Identifiers: ClinVar variation 2732500 (VCV002732500.3), dbSNP rs764402230, ClinGen allele CA7130717.

ClinVar aggregate classification (germline): Uncertain significance (1 of 4 stars; one submission).

Conditions:
Dyskeratosis congenita. Identifiers: Orphanet 1775, MedGen C0265965, MONDO:0015780.

Allele frequency attached by ClinVar (database versions not stated): TOPMed below 0.00001; gnomAD exomes 0.00001; ExAC 0.00002.

Submission:

Labcorp Genetics (formerly Invitae), Labcorp
Classification: Uncertain significance for Dyskeratosis congenita. Last evaluated: 2023-01-21. Review status: criteria provided, single submitter. Criteria: Invitae Variant Classification Sherloc (09022015). Collection method: clinical testing. Allele origin: germline.
Comment: This sequence change replaces lysine, which is basic and polar, with threonine, which is neutral and polar, at codon 98 of the TINF2 protein (p.Lys98Thr). This variant is present in population databases (rs764402230, gnomAD 0.004%). This variant has not been reported in the literature in individuals affected with TINF2-related conditions. Algorithms developed to predict the effect of missense changes on protein structure and function are either unavailable or do not agree on the potential impact of this missense change (SIFT: "Tolerated"; PolyPhen-2: "Possibly Damaging"; Align-GVGD: "Class C0"). In summary, the available evidence is currently insufficient to determine the role of this variant in disease. Therefore, it has been classified as a Variant of Uncertain Significance.